The following is an entry in ClinVar:

ClinVar aggregate classification (germline): Benign. Review status: criteria provided, multiple submitters, no conflicts (2 of 4 stars). 2 submissions from 2 submitters: Benign (2). Last evaluated 2020-07-14.

Allele frequency attached by ClinVar (database versions not stated): TOPMed 0.11028; 1000 Genomes Project 0.12181; 1000 Genomes Project 30x 0.12242.
gnomAD v4.1: 160,600 of 1,589,400 alleles (10%); highest among the groups gnomAD compares: East Asian, 24%; 9,079 homozygotes.

Submissions (2):

GeneDx
Classification: Benign. Last evaluated: 2020-07-14. Review status: criteria provided, single submitter. Criteria: GeneDx Variant Classification Process June 2021. Collection method: clinical testing. Allele origin: germline. Affected: yes.
Comment: This variant is associated with the following publications: (PMID: 23616472)

Breakthrough Genomics
Classification: Benign. Review status: criteria provided, single submitter. Criteria: ACMG Guidelines, 2015. Collection method: not provided. Allele origin: germline. Inheritance: Unknown mechanism. Affected: yes.

NM_005009.3(NME4):c.328-73G>C

Gene: NME4 (NME/NM23 nucleoside diphosphate kinase 4; plus strand). Cytogenetic location: 16p13.3.
Variant type: single nucleotide variant.
Coding change: c.328-73G>C on transcript NM_005009.3 (MANE Select); 73 bases into the intron before coding-DNA position 328, G replaced by C.
Molecular consequence: intron variant.
Genome position (GRCh38, 1-based): chr16:399,554, G>C. VCF-style: chr16-399554-G-C. GRCh37 (hg19) VCF-style: chr16-449554-G-C.
Other names: c.118-73G>C (NM_001286436.2, NM_001286439.2, NM_001286438.2 and 1 more transcripts); c.328-73G>C (NM_001286435.2); c.226-73G>C (NM_001286433.2).
Identifiers: ClinVar variation 1266035 (VCV001266035.3), dbSNP rs2071914, ClinGen allele CA14235486.